The following is an entry in ClinVar:

NM_015192.4(PLCB1):c.1297G>A (p.Gly433Arg)

Gene: PLCB1 (phospholipase C beta 1; plus strand). Cytogenetic location: 20p12.3.
Variant type: single nucleotide variant.
Coding change: c.1297G>A on transcript NM_015192.4 (MANE Select); coding-DNA position 1297, G replaced by A.
Protein change: p.Gly433Arg; replaces glycine 433 with arginine.
Molecular consequence: missense variant.
Genome position (GRCh38, 1-based): chr20:8,716,310, G>A. VCF-style: chr20-8716310-G-A. GRCh37 (hg19) VCF-style: chr20-8696957-G-A.
Other names: c.1297G>A, p.Gly433Arg (NM_182734.3); short protein forms G433R.
Identifiers: ClinVar variation 4627884 (VCV004627884.3).

ClinVar aggregate classification (germline): Uncertain significance. Review status: criteria provided, multiple submitters, no conflicts (2 of 4 stars). 2 submissions from 2 submitters: Uncertain significance (2). Last evaluated 2025-09-22.

Conditions:
Inborn genetic diseases. Identifiers: MedGen C0950123, MeSH D030342.

gnomAD v4.1: 1 of 1,613,904 alleles (0.000062%); highest among the groups gnomAD compares: Admixed American, 0.0017%; no homozygotes.

Submissions (2):

Ambry Genetics
Classification: Uncertain significance for Inborn genetic diseases. Last evaluated: 2025-09-22. Review status: criteria provided, single submitter. Criteria: Ambry Variant Classification Scheme 2023. Collection method: clinical testing. Allele origin: germline.

Dasa
Classification: Uncertain significance. Last evaluated: 2025-01-21. Review status: criteria provided, single submitter. Criteria: DASA Assertion Criteria. Collection method: clinical testing. Allele origin: germline.
Comment: NM_015192.4(PLCB1):c.1297G>A (p.Gly433Arg) is a missense variant that results in the substitution of glycine with arginine. This variant is rare in population databases. Computational prediction algorithms are consistent with a deleterious effect. The currently available literature and clinical evidence are not sufficient to establish a definitive association between this variant and the reported condition. Therefore, this variant is classified as a variant of uncertain significance.